The following is an entry in ClinVar:

NM_000245.4(MET):c.1789del (p.Asp597fs)

Gene: MET (MET proto-oncogene, receptor tyrosine kinase; plus strand). Cytogenetic location: 7q31.2.
Variant type: Deletion.
Coding change: c.1789del on transcript NM_000245.4 (MANE Select); coding-DNA position 1789, one base deleted (G; older notation c.1789delG).
Protein change: p.Asp597fs; shifts the reading frame from aspartic acid 597.
Molecular consequence: frameshift variant.
Genome position (GRCh38, 1-based): chr7:116,755,442, G deleted. VCF-style (leftmost placement, unchanged base first): chr7-116755441-TG-T. GRCh37 (hg19) VCF-style: chr7-116395495-TG-T.
Other names: c.1789del, p.Asp597fs (NM_001127500.3, NM_001324401.3); c.499del, p.Asp167fs (NM_001324402.2); short protein forms D167fs, D597fs.
Identifiers: ClinVar variation 3704252 (VCV003704252.2).
Genomic context (GRCh38, chr7:116,755,441, plus strand): 5'-AGGAGGGACAAGGCTGACCATATGTGGCTGGGACTTTGGATTTCGGAGGAATAATAAATT[TG>T]ATTTAAAGAAAACTAGAGTTCTCCTTGGAAATGAGAGCTGCACCTTGACTTTAAGTGAGA-3'

ClinVar aggregate classification (germline): Uncertain significance (1 of 4 stars; one submission).

Conditions:
Renal cell carcinoma. Identifiers: Orphanet 217071, MedGen C0007134, MeSH D002292, MONDO:0005086, HP:0005584.

Submission:

Labcorp Genetics (formerly Invitae), Labcorp
Classification: Uncertain significance for Renal cell carcinoma. Last evaluated: 2024-11-20. Review status: criteria provided, single submitter. Criteria: Invitae Variant Classification Sherloc (09022015). Collection method: clinical testing. Allele origin: germline.
Comment: This sequence change creates a premature translational stop signal (p.Asp597Ilefs*2) in the MET gene. It is expected to result in an absent or disrupted protein product. However, the current clinical and genetic evidence is not sufficient to establish whether loss-of-function variants in MET cause disease. This variant is not present in population databases (gnomAD no frequency). This variant has not been reported in the literature in individuals affected with MET-related conditions. Algorithms developed to predict the effect of sequence changes on RNA splicing suggest that this variant may disrupt the consensus splice site. In summary, the available evidence is currently insufficient to determine the role of this variant in disease. Therefore, it has been classified as a Variant of Uncertain Significance.